The following is an entry in ClinVar:

NM_001002755.4(NFU1):c.581A>G (p.Tyr194Cys)

Gene: NFU1 (NFU1 iron-sulfur cluster scaffold; minus strand). Cytogenetic location: 2p13.3.
Variant type: single nucleotide variant.
Coding change: c.581A>G on transcript NM_001002755.4 (MANE Select); coding-DNA position 581, A replaced by G.
Protein change: p.Tyr194Cys; replaces tyrosine 194 with cysteine.
Molecular consequence: missense variant. On other transcripts: non-coding transcript variant (1).
Genome position (GRCh38, 1-based): chr2:69,400,503, T>C on the plus strand (A>G on the coding strand, the complement: NFU1 is on the minus strand). VCF-style: chr2-69400503-T-C. GRCh37 (hg19) VCF-style: chr2-69627635-T-C.
Other names: c.158A>G, p.Tyr53Cys (NM_001002756.2); c.509A>G, p.Tyr170Cys (NM_001374284.1, NM_015700.4); short protein forms Y194C, Y53C, Y170C.
Identifiers: ClinVar variation 3015372 (VCV003015372.3), dbSNP rs1672488191, ClinGen allele CA347123510.

ClinVar aggregate classification (germline): Uncertain significance (1 of 4 stars; one submission).

Conditions:
Multiple mitochondrial dysfunctions syndrome 1 (MMDS1). Identifiers: Orphanet 401869, MedGen C3276432, MONDO:0011582, OMIM 605711.

Allele frequency attached by ClinVar (database versions not stated): gnomAD exomes below 0.00001; TOPMed below 0.00001.

Submission:

Labcorp Genetics (formerly Invitae), Labcorp
Classification: Uncertain significance for Multiple mitochondrial dysfunctions syndrome 1. Last evaluated: 2026-01-14. Review status: criteria provided, single submitter. Criteria: Invitae Variant Classification Sherloc (09022015). Collection method: clinical testing. Allele origin: germline.
Comment: This sequence change replaces tyrosine, which is neutral and polar, with cysteine, which is neutral and slightly polar, at codon 194 of the NFU1 protein (p.Tyr194Cys). This variant is not present in population databases (gnomAD no frequency). This variant has not been reported in the literature in individuals affected with NFU1-related conditions. ClinVar contains an entry for this variant (Variation ID: 3015372). Invitae Evidence Modeling of protein sequence and biophysical properties (such as structural, functional, and spatial information, amino acid conservation, physicochemical variation, residue mobility, and thermodynamic stability) indicates that this missense variant is expected to disrupt NFU1 protein function with a positive predictive value of 80%. In summary, the available evidence is currently insufficient to determine the role of this variant in disease. Therefore, it has been classified as a Variant of Uncertain Significance.